The following is an entry in ClinVar:

NM_005475.3(SH2B3):c.59C>A (p.Ala20Glu)

Gene: SH2B3 (SH2B adaptor protein 3; plus strand). Cytogenetic location: 12q24.12.
Variant type: single nucleotide variant.
Coding change: c.59C>A on transcript NM_005475.3 (MANE Select); coding-DNA position 59, C replaced by A.
Protein change: p.Ala20Glu; replaces alanine 20 with glutamic acid.
Molecular consequence: missense variant.
Genome position (GRCh38, 1-based): chr12:111,418,204, C>A. VCF-style: chr12-111418204-C-A. GRCh37 (hg19) VCF-style: chr12-111856008-C-A.
Other names: short protein forms A20E.
Identifiers: ClinVar variation 3953563 (VCV003953563.1).

ClinVar aggregate classification (germline): Uncertain significance (1 of 4 stars; one submission).

Conditions:
Inborn genetic diseases. Identifiers: MedGen C0950123, MeSH D030342.

Submission:

Ambry Genetics
Classification: Uncertain significance for Inborn genetic diseases. Last evaluated: 2025-06-08. Review status: criteria provided, single submitter. Criteria: Ambry Variant Classification Scheme 2023. Collection method: clinical testing. Allele origin: germline.
Comment: The p.A20E variant (also known as c.59C>A), located in coding exon 1 of the SH2B3 gene, results from a C to A substitution at nucleotide position 59. The alanine at codon 20 is replaced by glutamic acid, an amino acid with dissimilar properties. This amino acid position is conserved. In addition, this alteration is predicted to be tolerated by in silico analysis. Based on the available evidence, the clinical significance of this variant remains unclear.